The following is an entry in ClinVar:

ClinVar aggregate classification (germline): Uncertain significance. Review status: criteria provided, multiple submitters, no conflicts (2 of 4 stars). 4 submissions from 3 submitters: Uncertain significance (4). Last evaluated 2025-08-12.

Conditions:
Usher syndrome type 2A. Also called: USHER SYNDROME, TYPE IIA; RETINAL DISEASE IN USHER SYNDROME TYPE IIA, MODIFIER OF. Identifiers: Orphanet 231178, Orphanet 886, MedGen C1848634, MONDO:0010169, OMIM 276901.
Retinitis pigmentosa 39 (RP39). Identifiers: Orphanet 791, MedGen C3151138, MONDO:0013436, OMIM 613809.
Inborn genetic diseases. Identifiers: MedGen C0950123, MeSH D030342.

Allele frequency attached by ClinVar (database versions not stated): ExAC 0.00002; gnomAD 0.00002; TOPMed 0.00002; gnomAD exomes 0.00003.
gnomAD v4.1: 40 of 1,613,800 alleles (0.0025%); highest among the groups gnomAD compares: Non-Finnish European, 0.0033%; no homozygotes.

Submissions (4):

Ambry Genetics
Classification: Uncertain significance for Inborn genetic diseases. Last evaluated: 2025-08-12. Review status: criteria provided, single submitter. Criteria: Ambry Variant Classification Scheme 2023. Collection method: clinical testing. Allele origin: germline.

Labcorp Genetics (formerly Invitae), Labcorp
Classification: Uncertain significance. Last evaluated: 2024-11-05. Review status: criteria provided, single submitter. Criteria: Invitae Variant Classification Sherloc (09022015). Collection method: clinical testing. Allele origin: germline.
Comment: This sequence change replaces isoleucine, which is neutral and non-polar, with valine, which is neutral and non-polar, at codon 2085 of the USH2A protein (p.Ile2085Val). This variant is present in population databases (rs772409181, gnomAD 0.003%). This variant has not been reported in the literature in individuals affected with USH2A-related conditions. ClinVar contains an entry for this variant (Variation ID: 2157006). Invitae Evidence Modeling of protein sequence and biophysical properties (such as structural, functional, and spatial information, amino acid conservation, physicochemical variation, residue mobility, and thermodynamic stability) indicates that this missense variant is not expected to disrupt USH2A protein function with a negative predictive value of 95%. In summary, the available evidence is currently insufficient to determine the role of this variant in disease. Therefore, it has been classified as a Variant of Uncertain Significance.

Genome-Nilou Lab
Classification: Uncertain significance for Retinitis pigmentosa 39. Last evaluated: 2023-11-04. Review status: criteria provided, single submitter. Criteria: ACMG Guidelines, 2015. Collection method: clinical testing. Allele origin: germline. Affected: no.

Genome-Nilou Lab
Classification: Uncertain significance for Usher syndrome type 2A. Last evaluated: 2023-11-04. Review status: criteria provided, single submitter. Criteria: ACMG Guidelines, 2015. Collection method: clinical testing. Allele origin: germline. Affected: no.

NM_206933.4(USH2A):c.6253A>G (p.Ile2085Val)

Gene: USH2A (usherin; minus strand). Cytogenetic location: 1q41.
Variant type: single nucleotide variant.
Coding change: c.6253A>G on transcript NM_206933.4 (MANE Select); coding-DNA position 6253, A replaced by G.
Protein change: p.Ile2085Val; replaces isoleucine 2085 with valine.
Molecular consequence: missense variant.
Genome position (GRCh38, 1-based): chr1:216,046,503, T>C on the plus strand (A>G on the coding strand, the complement: USH2A is on the minus strand). VCF-style: chr1-216046503-T-C. GRCh37 (hg19) VCF-style: chr1-216219845-T-C.
Other names: c.6253A>G (NM_206933.2); short protein forms I2085V.
Identifiers: ClinVar variation 2157006 (VCV002157006.6), dbSNP rs772409181, ClinGen allele CA1395187.